The following is an entry in ClinVar:

NM_000553.6(WRN):c.25A>G (p.Thr9Ala)

Gene: WRN (WRN RecQ like helicase; plus strand). Cytogenetic location: 8p12.
Variant type: single nucleotide variant.
Coding change: c.25A>G on transcript NM_000553.6 (MANE Select); coding-DNA position 25, A replaced by G.
Protein change: p.Thr9Ala; replaces threonine 9 with alanine.
Molecular consequence: missense variant.
Genome position (GRCh38, 1-based): chr8:31,058,472, A>G. VCF-style: chr8-31058472-A-G. GRCh37 (hg19) VCF-style: chr8-30915988-A-G.
Other names: short protein forms T9A.
Identifiers: ClinVar variation 458425 (VCV000458425.9), dbSNP rs757791580, ClinGen allele CA4703958.

ClinVar aggregate classification (germline): Uncertain significance. Review status: criteria provided, multiple submitters, no conflicts (2 of 4 stars). 2 submissions from 2 submitters: Uncertain significance (2). Last evaluated 2025-07-30.

Conditions:
Werner syndrome (WRN). Identifiers: Orphanet 902, MedGen C0043119, MONDO:0010196, OMIM 277700.

Allele frequency attached by ClinVar (database versions not stated): TOPMed 0.00002; ExAC 0.00003; gnomAD 0.00003; gnomAD exomes 0.00003.
gnomAD v4.1: 59 of 1,613,634 alleles (0.0037%); highest among the groups gnomAD compares: Middle Eastern, 0.033%; no homozygotes.

Submissions (2):

Labcorp Genetics (formerly Invitae), Labcorp
Classification: Uncertain significance for Werner syndrome. Last evaluated: 2025-07-30. Review status: criteria provided, single submitter. Criteria: Invitae Variant Classification Sherloc (09022015). Collection method: clinical testing. Allele origin: germline.
Comment: This sequence change replaces threonine, which is neutral and polar, with alanine, which is neutral and non-polar, at codon 9 of the WRN protein (p.Thr9Ala). This variant is present in population databases (rs757791580, gnomAD 0.007%). This variant has not been reported in the literature in individuals affected with WRN-related conditions. ClinVar contains an entry for this variant (Variation ID: 458425). An algorithm developed to predict the effect of missense changes on protein structure and function outputs the following: PolyPhen-2: "Benign". The alanine amino acid residue is found in multiple mammalian species, which suggests that this missense change does not adversely affect protein function. RNA analysis performed to evaluate the impact of this missense change on mRNA splicing indicates it does not significantly alter splicing (internal data). In summary, the available evidence is currently insufficient to determine the role of this variant in disease. Therefore, it has been classified as a Variant of Uncertain Significance.

Fulgent Genetics
Classification: Uncertain significance for Werner syndrome. Last evaluated: 2024-03-19. Review status: criteria provided, single submitter. Criteria: ACMG Guidelines, 2015. Collection method: clinical testing. Allele origin: germline.